The following is an entry in ClinVar:

ClinVar aggregate classification (germline): Pathogenic. Review status: reviewed by expert panel (3 of 4 stars). 5 submissions from 5 submitters: Pathogenic (1). 4 of the submissions do not count toward it. Last evaluated 2016-09-08.
ClinVar aggregate classification (oncogenicity): Likely oncogenic (1 of 4 stars; one submission).

Conditions:
Hereditary cancer-predisposing syndrome. Also called: Neoplastic Syndromes, Hereditary; Hereditary neoplastic syndrome; Tumor predisposition; Hereditary Cancer Syndrome. Identifiers: Orphanet 140162, MedGen C0027672, MeSH D009386, MONDO:0015356.
Breast-ovarian cancer, familial, susceptibility to, 2 (BROVCA2). Also called: BRCA2 Hereditary Breast and Ovarian Cancer. Identifiers: Orphanet 145, MedGen C2675520, MONDO:0012933, OMIM 612555. Disease mechanism: loss of function.
Hereditary breast ovarian cancer syndrome. Also called: BRCA1- and BRCA2-Associated Hereditary Breast and Ovarian Cancer; Hereditary breast and/or ovarian cancer syndrome; Hereditary breast and ovarian cancer syndrome (HBOC); Hereditary breast and ovarian cancer syndrome; Hereditary breast and ovarian cancer; Breast and ovarian cancer. Identifiers: Orphanet 145, MedGen C0677776, MeSH D061325, MONDO:0003582. Disease mechanism: loss of function.
Neoplasm. Also called: Neoplasms; Neoplasm (disease); tumor. Identifiers: MedGen C0027651, MeSH D009369, MONDO:0005070, HP:0002664.

Submissions (6):

Evidence-based Network for the Interpretation of Germline Mutant Alleles (ENIGMA)
Classification: Pathogenic for Breast-ovarian cancer, familial, susceptibility to, 2. Last evaluated: 2016-09-08. Review status: reviewed by expert panel. Criteria: ENIGMA BRCA1/2 Classification Criteria (2015). Collection method: curation. Allele origin: germline.
Comment: Variant allele predicted to encode a truncated non-functional protein.

Center for Genomic Medicine, Rigshospitalet, Copenhagen University Hospital
Classification: Likely oncogenic for Neoplasm. Last evaluated: 2025-03-04. Review status: criteria provided, single submitter. Criteria: ClinGen/CGC/VICC Guidelines for Oncogenicity, 2022. Collection method: clinical testing. Allele origin: somatic. Affected: yes.

GeneDx
Classification: Pathogenic. Last evaluated: 2024-01-31. Review status: criteria provided, single submitter. Criteria: GeneDx Variant Classification Process June 2021. Collection method: clinical testing. Allele origin: germline. Affected: yes. Not counted in ClinVar's aggregate classification.
Comment: Frameshift variant predicted to result in protein truncation or nonsense mediated decay in a gene for which loss of function is a known mechanism of disease; Identified in individuals with a personal history of breast or ovarian cancer (PMID: 30720863, 12181777); Not observed at significant frequency in large population cohorts (gnomAD); Truncating variants in this gene are considered pathogenic by a well-established clinical consortium and/or database; Also known as 3185del and 3179delA; This variant is associated with the following publications: (PMID: Dong2015[CaseReport], 12181777, 26187060, 30720863)

Labcorp Genetics (formerly Invitae), Labcorp
Classification: Pathogenic for Hereditary breast ovarian cancer syndrome. Last evaluated: 2023-09-04. Review status: criteria provided, single submitter. Criteria: Invitae Variant Classification Sherloc (09022015). Collection method: clinical testing. Allele origin: germline. Not counted in ClinVar's aggregate classification.
Comment: For these reasons, this variant has been classified as Pathogenic. ClinVar contains an entry for this variant (Variation ID: 254510). This premature translational stop signal has been observed in individual(s) with breast cancer (PMID: 30720863). This variant is not present in population databases (gnomAD no frequency). This sequence change creates a premature translational stop signal (p.Asn986Ilefs*5) in the BRCA2 gene. It is expected to result in an absent or disrupted protein product. Loss-of-function variants in BRCA2 are known to be pathogenic (PMID: 20104584).

Ambry Genetics
Classification: Pathogenic for Hereditary cancer-predisposing syndrome. Last evaluated: 2015-10-30. Review status: criteria provided, single submitter. Criteria: Ambry Variant Classification Scheme 2023. Collection method: clinical testing. Allele origin: germline. Not counted in ClinVar's aggregate classification.
Comment: The c.2957delA pathogenic mutation, located in coding exon 10 of the BRCA2 gene, results from a deletion of one nucleotide at nucleotide position 2957, causing a translational frameshift with a predicted alternate stop codon. Since frameshifts are typically deleterious in nature, this alteration is interpreted as a disease-causing mutation (ACMG Recommendations for Standards for Interpretation and Reporting of Sequence Variations. Revision 2007. Genet Med. 2008;10:294).

Consortium of Investigators of Modifiers of BRCA1/2 (CIMBA), c/o University of Cambridge
Classification: Pathogenic for Breast-ovarian cancer, familial, susceptibility to, 2. Last evaluated: 2015-10-02. Review status: criteria provided, single submitter. Criteria: CIMBA Mutation Classification guidelines May 2016. Collection method: clinical testing. Allele origin: germline. Not counted in ClinVar's aggregate classification.

Literature cited by the submitters: PubMed 15695382 (cited by Center for Genomic Medicine, Rigshospitalet, Copenhagen University Hospital); PubMed 18607349 (cited by Center for Genomic Medicine, Rigshospitalet, Copenhagen University Hospital); PubMed 30720863 (cited by Center for Genomic Medicine, Rigshospitalet, Copenhagen University Hospital and Labcorp Genetics (formerly Invitae), Labcorp); PubMed 20104584 (cited by Labcorp Genetics (formerly Invitae), Labcorp).

NM_000059.4(BRCA2):c.2957del (p.Asn986fs)

Gene: BRCA2 (BRCA2 DNA repair associated; plus strand). Cytogenetic location: 13q13.1.
Variant type: Deletion.
Coding change: c.2957del on transcript NM_000059.4 (MANE Select); coding-DNA position 2957, one base deleted (A; older notation c.2957delA).
Protein change: p.Asn986fs; shifts the reading frame from asparagine 986.
Molecular consequence: frameshift variant.
Genome position (GRCh38, 1-based): chr13:32,337,312, A deleted; the last of 7 consecutive A bases (chr13:32,337,306-32,337,312); deleting any one gives the same sequence. VCF-style (leftmost placement, unchanged base first): chr13-32337305-GA-G. GRCh37 (hg19) VCF-style: chr13-32911442-GA-G.
Other names: c.2957delA (NM_000059.3).
Identifiers: ClinVar variation 254510 (VCV000254510.20), dbSNP rs80359365, ClinGen allele CA10586507.